The following is an entry in ClinVar:

ClinVar aggregate classification (germline): Uncertain significance (1 of 4 stars; one submission).

Conditions:
Bethlem myopathy 1A. Also called: Bethlem Muscular Dystrophy; MYOPATHY, BENIGN CONGENITAL, WITH CONTRACTURES; Bethlem myopathy 1. Identifiers: Orphanet 610, MedGen CN029274, MONDO:0024530, OMIM 158810.

Submission:

Labcorp Genetics (formerly Invitae), Labcorp
Classification: Uncertain significance for Bethlem myopathy 1A. Last evaluated: 2022-02-05. Review status: criteria provided, single submitter. Criteria: Invitae Variant Classification Sherloc (09022015). Collection method: clinical testing. Allele origin: germline.
Comment: This sequence change replaces leucine, which is neutral and non-polar, with proline, which is neutral and non-polar, at codon 2403 of the COL6A3 protein (p.Leu2403Pro). This variant is not present in population databases (gnomAD no frequency). In summary, the available evidence is currently insufficient to determine the role of this variant in disease. Therefore, it has been classified as a Variant of Uncertain Significance. Algorithms developed to predict the effect of missense changes on protein structure and function are either unavailable or do not agree on the potential impact of this missense change (SIFT: "Deleterious"; PolyPhen-2: "Not Available"; Align-GVGD: "Class C0"). ClinVar contains an entry for this variant (Variation ID: 1046905). This variant has not been reported in the literature in individuals affected with COL6A3-related conditions.

NM_004369.4(COL6A3):c.7208T>C (p.Leu2403Pro)

Gene: COL6A3 (collagen type VI alpha 3 chain; minus strand). Cytogenetic location: 2q37.3.
Variant type: single nucleotide variant.
Coding change: c.7208T>C on transcript NM_004369.4 (MANE Select); coding-DNA position 7208, T replaced by C.
Protein change: p.Leu2403Pro; replaces leucine 2403 with proline.
Molecular consequence: missense variant.
Genome position (GRCh38, 1-based): chr2:237,344,810, A>G on the plus strand (T>C on the coding strand, the complement: COL6A3 is on the minus strand). VCF-style: chr2-237344810-A-G. GRCh37 (hg19) VCF-style: chr2-238253453-A-G.
Other names: c.5387T>C, p.Leu1796Pro (NM_057166.5); c.6590T>C, p.Leu2197Pro (NM_057167.4); short protein forms L2403P, L1796P, L2197P.
Identifiers: ClinVar variation 1046905 (VCV001046905.9), dbSNP rs2077065222, ClinGen allele CA351204633.